The following is an entry in ClinVar:

NM_007118.4(TRIO):c.4300C>T (p.Leu1434Phe)

Gene: TRIO (trio Rho guanine nucleotide exchange factor; plus strand). Cytogenetic location: 5p15.2.
Variant type: single nucleotide variant.
Coding change: c.4300C>T on transcript NM_007118.4 (MANE Select); coding-DNA position 4300, C replaced by T.
Protein change: p.Leu1434Phe; replaces leucine 1434 with phenylalanine.
Molecular consequence: missense variant. On other transcripts: non-coding transcript variant (1).
Genome position (GRCh38, 1-based): chr5:14,394,119, C>T. VCF-style: chr5-14394119-C-T. GRCh37 (hg19) VCF-style: chr5-14394228-C-T.
Other names: short protein forms L1434F.
Identifiers: ClinVar variation 1032521 (VCV001032521.3), dbSNP rs1747352673, ClinGen allele CA359233134.

ClinVar aggregate classification (germline): Likely pathogenic. Review status: criteria provided, multiple submitters, no conflicts (2 of 4 stars). 2 submissions from 2 submitters: Likely pathogenic (2). Last evaluated 2022-09-09.

Conditions:
Intellectual developmental disorder, autosomal dominant 44, with microcephaly. Also called: Micrognathia-recurrent infections-behavioral abnormalities-mild intellectual disability syndrome; TRIO-Related Intellectual Disability. Identifiers: Orphanet 476126, MedGen C4310740, MONDO:0014892, OMIM 617061.

Allele frequency attached by ClinVar (database versions not stated): gnomAD exomes below 0.00001.
gnomAD v4.1: 1 of 1,609,904 alleles (0.000062%); highest among the groups gnomAD compares: Non-Finnish European, 0.000085%; no homozygotes.

Submissions (2):

GeneDx
Classification: Likely pathogenic. Last evaluated: 2022-09-09. Review status: criteria provided, single submitter. Criteria: GeneDx Variant Classification Process June 2021. Collection method: clinical testing. Allele origin: germline. Affected: yes.
Comment: Not observed at significant frequency in large population cohorts (gnomAD); In silico analysis supports that this missense variant has a deleterious effect on protein structure/function; Has not been previously published as pathogenic or benign to our knowledge

Baylor Genetics
Classification: Likely pathogenic for Intellectual developmental disorder, autosomal dominant 44, with microcephaly. Last evaluated: 2018-11-16. Review status: criteria provided, single submitter. Criteria: ACMG Guidelines, 2015. Collection method: clinical testing. Allele origin: de novo. Affected: yes.
Comment: This variant was determined to be likely pathogenic according to ACMG Guidelines, 2015 [PMID:25741868].